The following is an entry in ClinVar:

NM_000179.3(MSH6):c.258C>T (p.Thr86=)

Genes: MSH6 (mutS homolog 6; plus strand), LOC129933707 (ATAC-STARR-seq lymphoblastoid silent region 11468; plus strand). Cytogenetic location: 2p16.3.
Variant type: single nucleotide variant.
Coding change: c.258C>T on transcript NM_000179.3 (MANE Select); coding-DNA position 258, C replaced by T.
Protein change: p.Thr86=; no amino-acid change (threonine 86 retained).
Molecular consequence: synonymous variant. On other transcripts: 5 prime UTR variant (7), non-coding transcript variant (5), intron variant (7).
Genome position (GRCh38, 1-based): chr2:47,783,491, C>T. VCF-style: chr2-47783491-C-T. GRCh37 (hg19) VCF-style: chr2-48010630-C-T.
Other names: c.-479C>T (NM_001281493.2, NM_001406811.1); c.258C>T, p.Thr86= (NM_001406795.1, NM_001406796.1, NM_001406798.1 and 8 more transcripts); c.-71C>T (NM_001406799.1); c.-671C>T (NM_001406807.1); c.-326C>T (NM_001406812.1); c.-737C>T (NM_001406814.1); c.-282C>T (NM_001406816.1); c.-38+260C>T (NM_001406805.1, NM_001406797.1, NM_001406801.1); and 4 more.
Identifiers: ClinVar variation 2115082 (VCV002115082.4), dbSNP rs1553408461, ClinGen allele CA426120886.

ClinVar aggregate classification (germline): Uncertain significance (1 of 4 stars; one submission).

Conditions:
Hereditary nonpolyposis colorectal neoplasms. Identifiers: MedGen C0009405, MeSH D003123.

Submission:

Labcorp Genetics (formerly Invitae), Labcorp
Classification: Uncertain significance for Hereditary nonpolyposis colorectal neoplasms. Last evaluated: 2022-08-23. Review status: criteria provided, single submitter. Criteria: Invitae Variant Classification Sherloc (09022015). Collection method: clinical testing. Allele origin: germline.
Comment: This variant has not been reported in the literature in individuals affected with MSH6-related conditions. In summary, the available evidence is currently insufficient to determine the role of this variant in disease. Therefore, it has been classified as a Variant of Uncertain Significance. Studies have shown that this variant results in skipping of exon 1, and is expected to result in the loss of the initiator methionine (Invitae). This variant is not present in population databases (gnomAD no frequency). This sequence change affects codon 86 of the MSH6 mRNA. It is a 'silent' change, meaning that it does not change the encoded amino acid sequence of the MSH6 protein. RNA analysis indicates that this variant induces altered splicing and is likely to result in the loss of the initiator methionine.